The following is an entry in ClinVar:

NM_004183.4(BEST1):c.1151A>C (p.Asp384Ala)

Gene: BEST1 (bestrophin 1; plus strand). Cytogenetic location: 11q12.3.
Variant type: single nucleotide variant.
Coding change: c.1151A>C on transcript NM_004183.4 (MANE Select); coding-DNA position 1151, A replaced by C.
Protein change: p.Asp384Ala; replaces aspartic acid 384 with alanine.
Molecular consequence: missense variant. On other transcripts: non-coding transcript variant (1).
Genome position (GRCh38, 1-based): chr11:61,962,305, A>C. VCF-style: chr11-61962305-A-C. GRCh37 (hg19) VCF-style: chr11-61729777-A-C.
Other names: c.1151A>C (NM_004183.3); c.971A>C, p.Asp324Ala (NM_001139443.3, NM_001300787.2); c.890A>C, p.Asp297Ala (NM_001300786.2); c.833A>C, p.Asp278Ala (NM_001363591.3); c.*46A>C (NM_001363592.2); c.179A>C, p.Asp60Ala (NM_001363593.3); short protein forms D384A, D60A, D297A, D278A, D324A.
Identifiers: ClinVar variation 3664707 (VCV003664707.3).

ClinVar aggregate classification (germline): Uncertain significance. Review status: criteria provided, multiple submitters, no conflicts (2 of 4 stars). 2 submissions from 2 submitters: Uncertain significance (2). Last evaluated 2025-07-02.

Conditions:
Inborn genetic diseases. Identifiers: MedGen C0950123, MeSH D030342.

Submissions (2):

Ambry Genetics
Classification: Uncertain significance for Inborn genetic diseases. Last evaluated: 2025-07-02. Review status: criteria provided, single submitter. Criteria: Ambry Variant Classification Scheme 2023. Collection method: clinical testing. Allele origin: germline.

Labcorp Genetics (formerly Invitae), Labcorp
Classification: Uncertain significance. Last evaluated: 2025-03-17. Review status: criteria provided, single submitter. Criteria: Invitae Variant Classification Sherloc (09022015). Collection method: clinical testing. Allele origin: germline.
Comment: This sequence change replaces aspartic acid, which is acidic and polar, with alanine, which is neutral and non-polar, at codon 384 of the BEST1 protein (p.Asp384Ala). This variant is not present in population databases (gnomAD no frequency). This variant has not been reported in the literature in individuals affected with BEST1-related conditions. An algorithm developed to predict the effect of missense changes on protein structure and function outputs the following: PolyPhen-2: "Benign". The alanine amino acid residue is found in multiple mammalian species, which suggests that this missense change does not adversely affect protein function. In summary, the available evidence is currently insufficient to determine the role of this variant in disease. Therefore, it has been classified as a Variant of Uncertain Significance.